The following is an entry in ClinVar:

ClinVar aggregate classification (germline): Conflicting classifications of pathogenicity. Review status: criteria provided, conflicting classifications (1 of 4 stars). 9 submissions from 9 submitters: Uncertain significance (4); Likely benign (4). 1 of the submissions does not count toward it. Last evaluated 2026-01-19.

Conditions:
Hereditary breast ovarian cancer syndrome. Also called: Hereditary breast and ovarian cancer syndrome; Hereditary breast and ovarian cancer; Hereditary breast and ovarian cancer syndrome (HBOC); Breast and ovarian cancer; Hereditary breast and/or ovarian cancer syndrome; BRCA1- and BRCA2-Associated Hereditary Breast and Ovarian Cancer. Identifiers: Orphanet 145, MedGen C0677776, MeSH D061325, MONDO:0003582. Disease mechanism: loss of function.
Hereditary cancer-predisposing syndrome. Also called: Neoplastic Syndromes, Hereditary; Tumor predisposition; Hereditary neoplastic syndrome; Hereditary Cancer Syndrome. Identifiers: Orphanet 140162, MedGen C0027672, MeSH D009386, MONDO:0015356.
Breast-ovarian cancer, familial, susceptibility to, 2 (BROVCA2). Also called: BRCA2 Hereditary Breast and Ovarian Cancer. Identifiers: Orphanet 145, MedGen C2675520, MONDO:0012933, OMIM 612555. Disease mechanism: loss of function.

Allele frequency attached by ClinVar (database versions not stated): gnomAD 0.00001; TOPMed 0.00001.
gnomAD v4.1: 6 of 1,613,794 alleles (0.00037%); highest among the groups gnomAD compares: African/African-American, 0.004%; no homozygotes.

Submissions (9):

Labcorp Genetics (formerly Invitae), Labcorp
Classification: Likely benign for Hereditary breast ovarian cancer syndrome. Last evaluated: 2026-01-19. Review status: criteria provided, single submitter. Criteria: Invitae Variant Classification Sherloc (09022015). Collection method: clinical testing. Allele origin: germline.

Women's Health and Genetics/Laboratory Corporation of America, LabCorp
Classification: Uncertain significance. Last evaluated: 2025-12-01. Review status: criteria provided, single submitter. Criteria: LabCorp Variant Classification Summary - May 2015. Collection method: clinical testing. Allele origin: germline.
Comment: Variant summary: BRCA2 c.5714A>G (p.His1905Arg) results in a non-conservative amino acid change in the encoded protein sequence. Algorithms developed to predict the effect of missense changes on protein structure and function are either unavailable or do not agree on the potential impact of this missense change. The variant allele was found at a frequency of 1.1e-05 in 271460 control chromosomes. The available data on variant occurrences in the general population are insufficient to allow any conclusion about variant significance. c.5714A>G has been reported as a VUS in at least one individual affected with breast and/or ovarian cancer and in individual(s) who underwent multigene panel testing for suspected of a familial cancer syndrome (Fortuno_2024, de Deugd_2025). This variant has also been identified in a screen of healthy individuals from a Han Chinese population (found in 2/9,331 individuals) and in a case-control study of Japanese breast cancer patients where it was not found in cases but was found in controls (Momozawa_2018, Dong_2020). These reports do not provide unequivocal conclusions about association of the variant with Hereditary Breast And Ovarian Cancer Syndrome. The variant has been classified as IARC Class 2 (likely not pathogenic) based on multifactorial likelihood analysis (Whiley_2014) however, this has yet to be confirmed by functional studies. The following publications have been ascertained in the context of this evaluation (PMID: 32467295, 39402389, 30287823, 24489791, 40710012). ClinVar contains an entry for this variant (Variation ID: 51913). Based on the evidence outlined above, the variant was classified as uncertain significance.

Ambry Genetics
Classification: Uncertain significance for Hereditary cancer-predisposing syndrome. Last evaluated: 2025-01-24. Review status: criteria provided, single submitter. Criteria: Ambry Variant Classification Scheme 2023. Collection method: clinical testing. Allele origin: germline.
Comment: The p.H1905R variant (also known as c.5714A>G), located in coding exon 10 of the BRCA2 gene, results from an A to G substitution at nucleotide position 5714. The histidine at codon 1905 is replaced by arginine, an amino acid with highly similar properties. This amino acid position is poorly conserved in available vertebrate species. In addition, this alteration is predicted to be tolerated by in silico analysis. Based on the available evidence, the clinical significance of this variant remains unclear.

Quest Diagnostics Nichols Institute San Juan Capistrano
Classification: Uncertain significance. Last evaluated: 2024-02-21. Review status: criteria provided, single submitter. Criteria: Quest Diagnostics criteria. Collection method: clinical testing. Allele origin: unknown.
Comment: The BRCA2 c.5714A>G (p.His1905Arg) variant has been reported in the published literature in individuals affected with breast cancer (PMID: 33471991 (2021), see also LOVD) as well as reportedly healthy individuals (PMID: 32467295 (2020), 30287823 (2018)). This variant is described to be located in a region of the BRCA2 gene that is tolerant to missense sequence changes (PMID: 31911673 (2020)). The frequency of this variant in the general population, 0.000013 (2/152224 chromosomes (Genome Aggregation Database)), is uninformative in the assessment of its pathogenicity. Analysis of this variant using bioinformatics tools for the prediction of the effect of amino acid changes on protein structure and function yielded predictions that this variant is benign. Based on the available information, we are unable to determine the clinical significance of this variant.

All of Us Research Program, National Institutes of Health
Classification: Likely benign for Breast-ovarian cancer, familial, susceptibility to, 2. Last evaluated: 2023-09-17. Review status: criteria provided, single submitter. Criteria: ACMG Guidelines, 2015. Collection method: clinical testing. Allele origin: germline. Inheritance: Autosomal dominant inheritance. Observed: 3 variant alleles, 3 heterozygotes.
Comment: This study involves interpretation of variants in research participants for the purpose of population health screening. Participant phenotype was not available at the time of variant classification. Additional details can be found in publication PMID: 35346344, PMCID: PMC8962531

University of Washington Department of Laboratory Medicine, University of Washington
Classification: Likely benign for Hereditary cancer-predisposing syndrome. Last evaluated: 2023-03-23. Review status: criteria provided, single submitter. Criteria: Dines et al. (Genet Med. 2020). Collection method: curation. Allele origin: germline.
Comment: Missense variant in a coldspot region where missense variants are very unlikely to be pathogenic (PMID:31911673).

BRCA2 exon 11 coldspot. Reclassification based on statistical prior probability.

GeneDx
Classification: Uncertain significance. Last evaluated: 2018-02-22. Review status: criteria provided, single submitter. Criteria: GeneDx Variant Classification (06012015). Collection method: clinical testing. Allele origin: germline. Affected: yes.
Comment: This variant is denoted BRCA2 c.5714A>G at the cDNA level, p.His1905Arg (H1905R) at the protein level, and results in the change of a Histidine to an Arginine (CAT>CGT). Using alternate nomenclature, this variant would be defined as BRCA2 5942A>G. BRCA2 His1905Arg was classified as likely not pathogenic by a multifactorial likelihood analysis utilizing bioinformatic models and segregation data (Whiley 2014). BRCA2 His1905Arg was not observed in large population databases (Lek 2016). Since Histidine and Arginine share similar properties, this is considered a conservative amino acid substitution. BRCA2 His1905Arg is located in the RAD51 binding domain (Roy 2012). In silico analysis, which includes protein predictors and evolutionary conservation, support that this variant does not alter protein structure/function. Based on currently available evidence, it is unclear whether BRCA2 His1905Arg is a pathogenic or benign variant. We consider it to be a variant of uncertain significance.

Color Diagnostics, LLC DBA Color Health
Classification: Likely benign for Hereditary cancer-predisposing syndrome. Last evaluated: 2016-12-19. Review status: criteria provided, single submitter. Criteria: ACMG Guidelines, 2015. Collection method: clinical testing. Allele origin: germline.

Breast Cancer Information Core (BIC) (BRCA2)
Classification: Uncertain significance for Breast-ovarian cancer, familial 2. Last evaluated: 2002-05-29. Review status: no assertion criteria provided. Collection method: clinical testing. Allele origin: germline. Affected: yes. Observed: 1 variant allele. Not counted in ClinVar's aggregate classification.

Literature cited by the submitters: PubMed 24489791 (cited by 3 submitters); PubMed 30287823 (cited by 3 submitters); PubMed 32467295 (cited by 3 submitters); PubMed 39402389 (cited by Women's Health and Genetics/Laboratory Corporation of America, LabCorp); PubMed 40710012 (cited by Women's Health and Genetics/Laboratory Corporation of America, LabCorp); PubMed 29580235 (cited by Ambry Genetics); PubMed 29884841 (cited by Ambry Genetics); PubMed 31911673 (cited by Quest Diagnostics Nichols Institute San Juan Capistrano); PubMed 33471991 (cited by Quest Diagnostics Nichols Institute San Juan Capistrano); PubMed 31131967 (cited by Quest Diagnostics Nichols Institute San Juan Capistrano).

NM_000059.4(BRCA2):c.5714A>G (p.His1905Arg)

Gene: BRCA2 (BRCA2 DNA repair associated; plus strand). Cytogenetic location: 13q13.1.
Variant type: single nucleotide variant.
Coding change: c.5714A>G on transcript NM_000059.4 (MANE Select); coding-DNA position 5714, A replaced by G.
Protein change: p.His1905Arg; replaces histidine 1905 with arginine.
Molecular consequence: missense variant.
Genome position (GRCh38, 1-based): chr13:32,340,069, A>G. VCF-style: chr13-32340069-A-G. GRCh37 (hg19) VCF-style: chr13-32914206-A-G.
Other names: short protein forms H1905R.
Identifiers: ClinVar variation 51913 (VCV000051913.29), dbSNP rs80358796, ClinGen allele CA023030.